The following is an entry in ClinVar:

NM_001382391.1(CSPP1):c.800G>A (p.Arg267His)

Gene: CSPP1 (centrosome and spindle pole associated protein 1; plus strand). Cytogenetic location: 8q13.1.
Variant type: single nucleotide variant.
Coding change: c.800G>A on transcript NM_001382391.1 (MANE Select); coding-DNA position 800, G replaced by A.
Protein change: p.Arg267His; replaces arginine 267 with histidine.
Molecular consequence: missense variant. On other transcripts: 5 prime UTR variant (1).
Genome position (GRCh38, 1-based): chr8:67,095,609, G>A. VCF-style: chr8-67095609-G-A. GRCh37 (hg19) VCF-style: chr8-68007844-G-A.
Other names: c.-56G>A (NM_001291339.2); c.719G>A, p.Arg240His (NM_001363131.2, NM_001363133.2); c.800G>A, p.Arg267His (NM_001363132.2); c.908G>A, p.Arg303His (NM_001364869.1); c.827G>A, p.Arg276His (NM_001364870.1, NM_024790.7); short protein forms R240H, R267H, R276H, R303H.
Identifiers: ClinVar variation 1051168 (VCV001051168.8), dbSNP rs781737308, ClinGen allele CA4770361.

ClinVar aggregate classification (germline): Uncertain significance. Review status: criteria provided, multiple submitters, no conflicts (2 of 4 stars). 2 submissions from 2 submitters: Uncertain significance (2). Last evaluated 2024-01-11.

Conditions:
Joubert syndrome 21 (JBTS21). Identifiers: MedGen C3810212, MONDO:0014288, OMIM 615636.

Allele frequency attached by ClinVar (database versions not stated): gnomAD 0.00002; TOPMed 0.00002; gnomAD exomes 0.00001; ExAC 0.00002.
gnomAD v4.1: 20 of 1,613,744 alleles (0.0012%); highest among the groups gnomAD compares: African/African-American, 0.008%; no homozygotes.

Submissions (2):

Revvity Omics, Revvity
Classification: Uncertain significance for Joubert syndrome 21. Last evaluated: 2024-01-11. Review status: criteria provided, single submitter. Criteria: ACMG Guidelines, 2015. Collection method: clinical testing. Allele origin: germline.

Labcorp Genetics (formerly Invitae), Labcorp
Classification: Uncertain significance for Joubert syndrome 21. Last evaluated: 2022-08-23. Review status: criteria provided, single submitter. Criteria: Invitae Variant Classification Sherloc (09022015). Collection method: clinical testing. Allele origin: germline.
Comment: This sequence change replaces arginine, which is basic and polar, with histidine, which is basic and polar, at codon 276 of the CSPP1 protein (p.Arg276His). This variant is present in population databases (rs781737308, gnomAD 0.003%). This variant has not been reported in the literature in individuals affected with CSPP1-related conditions. ClinVar contains an entry for this variant (Variation ID: 1051168). Algorithms developed to predict the effect of missense changes on protein structure and function output the following: SIFT: "Tolerated"; PolyPhen-2: "Benign"; Align-GVGD: "Class C0". The histidine amino acid residue is found in multiple mammalian species, which suggests that this missense change does not adversely affect protein function. In summary, the available evidence is currently insufficient to determine the role of this variant in disease. Therefore, it has been classified as a Variant of Uncertain Significance.